The following is an entry in ClinVar:

ClinVar aggregate classification (germline): Uncertain significance. Review status: criteria provided, multiple submitters, no conflicts (2 of 4 stars). 2 submissions from 2 submitters: Uncertain significance (2). Last evaluated 2024-12-06.

Allele frequency attached by ClinVar (database versions not stated): gnomAD 0.00001; gnomAD exomes 0.00005; ExAC 0.00013.

Submissions (2):

Ambry Genetics
Classification: Uncertain significance. Last evaluated: 2024-12-06. Review status: criteria provided, single submitter. Criteria: Ambry Variant Classification Scheme 2023. Collection method: clinical testing. Allele origin: germline.
Comment: The p.E133G variant (also known as c.398A>G), located in coding exon 3 of the ATRIP gene, results from an A to G substitution at nucleotide position 398. The glutamic acid at codon 133 is replaced by glycine, an amino acid with similar properties. This amino acid position is conserved. In addition, the in silico prediction for this alteration is inconclusive. Based on the available evidence, the clinical significance of this variant remains unclear.

Labcorp Genetics (formerly Invitae), Labcorp
Classification: Uncertain significance. Last evaluated: 2022-04-17. Review status: criteria provided, single submitter. Criteria: Invitae Variant Classification Sherloc (09022015). Collection method: clinical testing. Allele origin: germline.
Comment: This variant is present in population databases (rs762807851, gnomAD 0.09%), and has an allele count higher than expected for a pathogenic variant. In summary, the available evidence is currently insufficient to determine the role of this variant in disease. Therefore, it has been classified as a Variant of Uncertain Significance. Algorithms developed to predict the effect of missense changes on protein structure and function are either unavailable or do not agree on the potential impact of this missense change (SIFT: "Tolerated"; PolyPhen-2: "Probably Damaging"; Align-GVGD: "Class C0"). This variant has not been reported in the literature in individuals affected with ATRIP-related conditions. This sequence change replaces glutamic acid, which is acidic and polar, with glycine, which is neutral and non-polar, at codon 133 of the ATRIP protein (p.Glu133Gly).

NM_130384.3(ATRIP):c.398A>G (p.Glu133Gly)

Genes: ATRIP (ATR interacting protein; plus strand), ATRIP-TREX1 (ATRIP-TREX1 readthrough; plus strand). Cytogenetic location: 3p21.31.
Variant type: single nucleotide variant.
Coding change: c.398A>G on transcript NM_130384.3 (MANE Select); coding-DNA position 398, A replaced by G.
Protein change: p.Glu133Gly; replaces glutamic acid 133 with glycine.
Molecular consequence: missense variant. On other transcripts: non-coding transcript variant (1).
Genome position (GRCh38, 1-based): chr3:48,451,745, A>G. VCF-style: chr3-48451745-A-G. GRCh37 (hg19) VCF-style: chr3-48493151-A-G.
Other names: c.17A>G, p.Glu6Gly (NM_001271022.2); c.119A>G, p.Glu40Gly (NM_001271023.2); c.398A>G, p.Glu133Gly (NM_032166.4); c.398A>G (NM_130384.1); short protein forms E133G, E6G, E40G.
Identifiers: ClinVar variation 1931512 (VCV001931512.6), dbSNP rs762807851, ClinGen allele CA2375975.
Genomic context (GRCh38, chr3:48,451,745, plus strand): 5'-TTTTCTCTTACAAAGTTTTCACGAGATTAATTTGGGATTTACAGATGAAAGTAATGGAAG[A>G]AGAAGTTCTCATTAAGAATGGAGAAATTAAAATTTTGCGAGACTCACTACATCAGACGGA-3'
Protein context (NP_569055.1, residues 123-143): ELKEKMKVME[Glu133Gly]EVLIKNGEIK